The following is an entry in ClinVar:

ClinVar aggregate classification (germline): Pathogenic (1 of 4 stars; one submission).

Conditions:
Hereditary spastic paraplegia 31. Also called: SPASTIC PARAPLEGIA 31, AUTOSOMAL DOMINANT. Identifiers: Orphanet 101011, MedGen C1853247, MONDO:0012453, OMIM 610250.

Submission:

Labcorp Genetics (formerly Invitae), Labcorp
Classification: Pathogenic for Hereditary spastic paraplegia 31. Last evaluated: 2022-04-06. Review status: criteria provided, single submitter. Criteria: Invitae Variant Classification Sherloc (09022015). Collection method: clinical testing. Allele origin: germline.
Comment: This sequence change creates a premature translational stop signal (p.Phe48Tyrfs*25) in the REEP1 gene. It is expected to result in an absent or disrupted protein product. Loss-of-function variants in REEP1 are known to be pathogenic (PMID: 18321925, 18644145, 22703882). This variant is not present in population databases (gnomAD no frequency). This variant has not been reported in the literature in individuals affected with REEP1-related conditions. For these reasons, this variant has been classified as Pathogenic.

Literature cited by the submitters: PubMed 18321925; PubMed 18644145; PubMed 22703882.

NM_001371279.1(REEP1):c.128_138dup (p.Phe48fs)

Gene: REEP1 (receptor accessory protein 1; minus strand). Cytogenetic location: 2p11.2.
Variant type: Duplication.
Coding change: c.128_138dup on transcript NM_001371279.1 (MANE Select); coding-DNA positions 128 to 138, 11 bases duplicated (TTATATTTGCA).
Protein change: p.Phe48fs; shifts the reading frame from phenylalanine 48.
Molecular consequence: frameshift variant.
Genome position (GRCh38, 1-based): chr2:86,264,009-86,264,019, TGCAAATATAA duplicated on the plus strand (TTATATTTGCA on the coding strand, the reverse complement: REEP1 is on the minus strand); duplicating any 11 consecutive bases within chr2:86,264,009-86,264,020 gives the same sequence; the c. name uses the placement nearest the transcript's 3' end. VCF-style (leftmost placement, unchanged base first): chr2-86264008-G-GTGCAAATATAA. GRCh37 (hg19) VCF-style: chr2-86491131-G-GTGCAAATATAA.
Other names: c.149_159dup, p.Phe55fs (NM_001164730.2); c.47_57dup, p.Phe21fs (NM_001164731.2); c.128_138dup, p.Phe48fs (NM_001164732.2, NM_001371280.1, NM_022912.3); c.127_137dup, p.Phe48Tyrfs (NM_001410855.1, NM_001410856.1); short protein forms F21fs, F55fs, F48fs.
Identifiers: ClinVar variation 2118484 (VCV002118484.4), dbSNP rs2468890730, ClinGen allele CA2580068285.